The following is an entry in ClinVar:

NM_017547.4(FOXRED1):c.*93G>A

Gene: FOXRED1 (FAD dependent oxidoreductase domain containing 1; plus strand). Cytogenetic location: 11q24.2.
Variant type: single nucleotide variant.
Coding change: c.*93G>A on transcript NM_017547.4 (MANE Select); 93 bases downstream of the stop codon, G replaced by A.
Molecular consequence: 3 prime UTR variant. On other transcripts: non-coding transcript variant (2).
Genome position (GRCh38, 1-based): chr11:126,277,782, G>A. VCF-style: chr11-126277782-G-A. GRCh37 (hg19) VCF-style: chr11-126147677-G-A.
Identifiers: ClinVar variation 877948 (VCV000877948.8), dbSNP rs114082966, ClinGen allele CA6354490.
Genomic context (GRCh38, chr11:126,277,782, plus strand): 5'-GCATCCTGGCTGTGTTCACAGCCTTGTTTGCTGCTTCCATCTTCCCCAGTACTGTGCCAG[G>A]CCTTCTCCCCCTCCCCAGTGTCCTCTCCTCTCAGGCAGGCCATTGCACCCATATGGCTGG-3'

ClinVar aggregate classification (germline): Likely benign. Review status: criteria provided, multiple submitters, no conflicts (2 of 4 stars). 3 submissions from 3 submitters: Likely benign (3). Last evaluated 2018-07-09.

Conditions:
Mitochondrial complex I deficiency, nuclear type 1. Also called: NADH-COENZYME Q REDUCTASE DEFICIENCY; MITOCHONDRIAL NADH DEHYDROGENASE COMPONENT OF COMPLEX I, DEFICIENCY OF. Identifiers: MedGen C6022305, MONDO:0100224, OMIM 252010.

Allele frequency attached by ClinVar (database versions not stated): TOPMed 0.00909; 1000 Genomes Project 0.01138; 1000 Genomes Project 30x 0.01327.
gnomAD v4.1: 2,250 of 1,384,442 alleles (0.16%); highest among the groups gnomAD compares: African/African-American, 2.7%; 26 homozygotes.

Submissions (3):

GeneDx
Classification: Likely benign. Last evaluated: 2018-07-09. Review status: criteria provided, single submitter. Criteria: GeneDx Variant Classification Process June 2021. Collection method: clinical testing. Allele origin: germline. Affected: yes.

Illumina Laboratory Services, Illumina
Classification: Likely benign for Mitochondrial complex I deficiency, nuclear type 1. Last evaluated: 2018-01-13. Review status: criteria provided, single submitter. Criteria: ICSL Variant Classification Criteria 13 December 2019. Collection method: clinical testing. Allele origin: germline.
Comment: This variant was observed in the ICSL laboratory as part of a predisposition screen in an ostensibly healthy population. It had not been previously curated by ICSL or reported in the Human Gene Mutation Database (HGMD: prior to June 1st, 2018), and was therefore a candidate for classification through an automated scoring system. Utilizing variant allele frequency, disease prevalence and penetrance estimates, and inheritance mode, an automated score was calculated to assess if this variant is too frequent to cause the disease. Based on the score and internal cut-off values, a variant classified as likely benign is not then subjected to further curation. The score for this variant resulted in a classification of likely benign for this disease.

Breakthrough Genomics
Classification: Likely benign. Review status: criteria provided, single submitter. Criteria: ACMG Guidelines, 2015. Collection method: not provided. Allele origin: germline. Inheritance: Autosomal recessive inheritance. Affected: yes.